The following is an entry in ClinVar:

ClinVar aggregate classification (germline): Uncertain significance (1 of 4 stars; one submission).

Conditions:
Autosomal dominant limb-girdle muscular dystrophy type 1D (DNAJB6) (LGMDD1). Also called: MUSCULAR DYSTROPHY, LIMB-GIRDLE, TYPE 1D; Autosomal dominant limb-girdle muscular dystrophy type 1D; Muscular dystrophy, limb-girdle, autosomal dominant 1; MUSCULAR DYSTROPHY, AUTOSOMAL DOMINANT, WITH RIMMED VACUOLES. Identifiers: Orphanet 34516, MedGen C4721885, MONDO:0021018, OMIM 603511.

Submission:

Labcorp Genetics (formerly Invitae), Labcorp
Classification: Uncertain significance for Autosomal dominant limb-girdle muscular dystrophy type 1D (DNAJB6). Last evaluated: 2022-08-01. Review status: criteria provided, single submitter. Criteria: Invitae Variant Classification Sherloc (09022015). Collection method: clinical testing. Allele origin: germline.
Comment: This variant is not present in population databases (gnomAD no frequency). This sequence change replaces alanine, which is neutral and non-polar, with threonine, which is neutral and polar, at codon 298 of the DNAJB6 protein (p.Ala298Thr). This variant has not been reported in the literature in individuals affected with DNAJB6-related conditions. Algorithms developed to predict the effect of missense changes on protein structure and function are either unavailable or do not agree on the potential impact of this missense change (SIFT: "Tolerated"; PolyPhen-2: "Not Available"; Align-GVGD: "Class C0"). In summary, the available evidence is currently insufficient to determine the role of this variant in disease. Therefore, it has been classified as a Variant of Uncertain Significance.

NM_058246.4(DNAJB6):c.892G>A (p.Ala298Thr)

Gene: DNAJB6 (DnaJ heat shock protein family (Hsp40) member B6; plus strand). Cytogenetic location: 7q36.3.
Variant type: single nucleotide variant.
Coding change: c.892G>A on transcript NM_058246.4 (MANE Select); coding-DNA position 892, G replaced by A.
Protein change: p.Ala298Thr; replaces alanine 298 with threonine.
Molecular consequence: missense variant.
Genome position (GRCh38, 1-based): chr7:157,409,995, G>A. VCF-style: chr7-157409995-G-A. GRCh37 (hg19) VCF-style: chr7-157202689-G-A.
Other names: c.547G>A, p.Ala183Thr (NM_001363676.1); short protein forms A183T, A298T.
Identifiers: ClinVar variation 2146651 (VCV002146651.4), dbSNP rs1470950962, ClinGen allele CA370167543.